The following is an entry in ClinVar:

ClinVar aggregate classification (germline): Likely pathogenic (1 of 4 stars; one submission).

Conditions:
Long QT syndrome (LQTS). Identifiers: MedGen C0023976, MeSH D008133, MONDO:0002442. Disease mechanism: loss of function. Inheritance: Various modes of inheritance.

Submission:

Labcorp Genetics (formerly Invitae), Labcorp
Classification: Likely pathogenic for Long QT syndrome. Last evaluated: 2026-01-05. Review status: criteria provided, single submitter. Criteria: Invitae Variant Classification Sherloc (09022015). Collection method: clinical testing. Allele origin: germline.
Comment: This sequence change falls in intron 7 of the KCNQ1 gene. It does not directly change the encoded amino acid sequence of the KCNQ1 protein. It affects a nucleotide within the consensus splice site. This variant is not present in population databases (gnomAD no frequency). This variant has been observed in individual(s) with long QT syndrome (PMID: 19716085; internal data). It has also been observed to segregate with disease in related individuals. This variant is also known as IVS7+5G>T. ClinVar contains an entry for this variant (Variation ID: 641597). Variants that disrupt the consensus splice site are a relatively common cause of aberrant splicing (PMID: 17576681, 9536098). Algorithms developed to predict the effect of sequence changes on RNA splicing suggest that this variant may disrupt the consensus splice site. This variant disrupts the c.1032+5G nucleotide in the KCNQ1 gene. Other variant(s) that disrupt this nucleotide have been determined to be pathogenic (PMID: 16922724, 17470695, 26669661). This suggests that this nucleotide is clinically significant, and that variants that disrupt this position are likely to be disease-causing. In summary, the currently available evidence indicates that the variant is pathogenic, but additional data are needed to prove that conclusively. Therefore, this variant has been classified as Likely Pathogenic.

Literature cited by the submitters: PubMed 19716085; PubMed 17576681; PubMed 9536098; PubMed 16922724; PubMed 17470695; PubMed 26669661.

NM_000218.3(KCNQ1):c.1032+5G>T

Gene: KCNQ1 (potassium voltage-gated channel subfamily Q member 1; plus strand). Cytogenetic location: 11p15.5.
Variant type: single nucleotide variant.
Coding change: c.1032+5G>T on transcript NM_000218.3 (MANE Select); 5 bases into the intron after coding-DNA position 1032, G replaced by T.
Molecular consequence: intron variant.
Genome position (GRCh38, 1-based): chr11:2,583,550, G>T. VCF-style: chr11-2583550-G-T. GRCh37 (hg19) VCF-style: chr11-2604780-G-T.
Other names: c.762+5G>T (NM_001406837.1); c.1032+5G>T (NM_001406836.1); c.588+5G>T (NM_001406838.1); c.651+5G>T (NM_181798.2).
Identifiers: ClinVar variation 641597 (VCV000641597.4), dbSNP rs397508071, ClinGen allele CA915947937.